The following is an entry in ClinVar:

NM_001292063.2(OTOG):c.6515G>A (p.Arg2172His)

Gene: OTOG (otogelin; plus strand). Cytogenetic location: 11p15.1.
Variant type: single nucleotide variant.
Coding change: c.6515G>A on transcript NM_001292063.2 (MANE Select); coding-DNA position 6515, G replaced by A.
Protein change: p.Arg2172His; replaces arginine 2172 with histidine.
Molecular consequence: missense variant.
Genome position (GRCh38, 1-based): chr11:17,613,688, G>A. VCF-style: chr11-17613688-G-A. GRCh37 (hg19) VCF-style: chr11-17635235-G-A.
Other names: c.6551G>A, p.Arg2184His (NM_001277269.2); c.6515G>A (NM_001292063.1); short protein forms R2184H, R2172H.
Identifiers: ClinVar variation 505049 (VCV000505049.9), dbSNP rs555068328, ClinGen allele CA5906036.

ClinVar aggregate classification (germline): Conflicting classifications of pathogenicity. Review status: criteria provided, conflicting classifications (1 of 4 stars). 4 submissions from 4 submitters: Likely pathogenic (1); Uncertain significance (3). Last evaluated 2026-03-08.

Conditions:
OTOG-related disorder. Also called: OTOG-related condition.
Autosomal recessive nonsyndromic hearing loss 18B. Also called: Deafness, autosomal recessive 18b. Identifiers: Orphanet 90636, MedGen C3554163, MONDO:0013985, OMIM 614945.

Allele frequency attached by ClinVar (database versions not stated): ExAC 0.00012; 1000 Genomes Project 30x 0.00016; 1000 Genomes Project 0.00020; gnomAD 0.00025 and 0.00026; TOPMed 0.00033.
gnomAD v4.1: 96 of 1,550,548 alleles (0.0062%); highest among the groups gnomAD compares: African/African-American, 0.094%; no homozygotes.

Submissions (4):

PreventionGenetics, part of Exact Sciences
Classification: Uncertain significance for OTOG-related condition. Last evaluated: 2026-03-08. Review status: criteria provided, single submitter. Criteria: ACMG Guidelines, 2015. Collection method: clinical testing. Allele origin: germline.
Comment: The OTOG c.6551G>A variant is predicted to result in the amino acid substitution p.Arg2184His. To our knowledge, this variant has not been reported in the literature. This variant is reported in 0.064% of alleles in individuals of African descent in gnomAD. Although we suspect that this variant may be benign, at this time, the clinical significance of this variant is uncertain due to the absence of conclusive functional and genetic evidence.

Wonkam Laboratory, Johns Hopkins University
Classification: Likely pathogenic for Autosomal recessive nonsyndromic hearing loss 18B. Last evaluated: 2024-01-06. Review status: criteria provided, single submitter. Criteria: ACMG Guidelines, 2015. Collection method: research. Allele origin: germline. Inheritance: Autosomal recessive inheritance. Affected: yes. Observed: 2 variant alleles.
Comment: This variant OTOG c.6515G>A (NM_001292063.1) is absent from controls (or at extremely low frequency if recessive) in Exome Sequencing Project, 1000 Genomes Project, or Exome Aggregation Consortium (PM2), Patient's phenotype or family history is highly specific for a disease with a single genetic etiology (PP4)

GeneDx
Classification: Uncertain significance. Last evaluated: 2021-05-27. Review status: criteria provided, single submitter. Criteria: GeneDx Variant Classification Process June 2021. Collection method: clinical testing. Allele origin: germline. Affected: yes.
Comment: In silico analysis supports that this missense variant has a deleterious effect on protein structure/function; Has not been previously published as pathogenic or benign to our knowledge; This variant is associated with the following publications: (PMID: 27535533)

Laboratory for Molecular Medicine, Mass General Brigham Personalized Medicine
Classification: Uncertain significance. Last evaluated: 2016-05-27. Review status: criteria provided, single submitter. Criteria: LMM Criteria. Collection method: clinical testing. Allele origin: germline. Observed: 1 variant allele.
Comment: The p.Arg2184His variant in OTOG has not been previously reported in individuals with hearing loss. This variant has been identified in 1/5862 European chromos omes by the Exome Aggregation Consortium (ExAC; dbSNP rs555068328); however, its frequency is not high enough to rule out a path ogenic role. Computational prediction tools and conservation analyses suggest th at this variant may impact the protein, though this information is not predictiv e enough to determine pathogenicity. In summary, the clinical significance of th e p.Arg2184His variant is uncertain.